The following continues an entry in ClinVar:

NM_000330.4(RS1):c.305G>A (p.Arg102Gln)

ClinVar aggregate classification (germline): Pathogenic. Pathogenic (1).

Submissions 11 to 15 of 15:

3billion
Classification: Pathogenic for Juvenile retinoschisis. Last evaluated: 2022-05-22. Review status: criteria provided, single submitter. Criteria: ACMG Guidelines, 2015. Collection method: clinical testing. Allele origin: germline. Affected: yes. Observed: 1 hemizygote. Not counted in ClinVar's aggregate classification.
Comment: The variant is observed at an extremely low frequency in the gnomAD v2.1.1 dataset (total allele frequency: <0.001%). In silico tool predictions suggest damaging effect of the variant on gene or gene product (REVEL: 0.98; 3Cnet: 0.86). Same nucleotide change resulting in same amino acid change has been previously reported as pathogenic/likely pathogenic with strong evidence (ClinVar ID: VCV000009896). The variant has been observed in multiple (>3) similarly affected unrelated individuals (PMID: 17615541, 21701876, 24634885, 30652005). A different missense change at the same codon (p.Arg102Trp) has been reported as pathogenic/likely pathogenic with strong evidence (ClinVar ID: VCV000009887). Therefore, this variant is classified as pathogenic according to the recommendation of ACMG/AMP guideline.

Institute of Human Genetics, Univ. Regensburg, Univ. Regensburg
Classification: Pathogenic for Retinal dystrophy. Last evaluated: 2019-01-01. Review status: criteria provided, single submitter. Criteria: ACMG Guidelines, 2015. Collection method: clinical testing. Allele origin: germline. Affected: yes. Not counted in ClinVar's aggregate classification.

Counsyl
Classification: Pathogenic for Juvenile retinoschisis. Last evaluated: 2014-05-06. Review status: no assertion criteria provided. Collection method: literature only. Allele origin: unknown. Inheritance: X-linked inheritance. Not counted in ClinVar's aggregate classification.

OMIM
Classification: Pathogenic for RETINOSCHISIS 1, X-LINKED, JUVENILE. Last evaluated: 2007-03-15. Review status: no assertion criteria provided. Collection method: literature only. Allele origin: germline. Not counted in ClinVar's aggregate classification.

Retina International
No classification provided. Review status: no classification provided. Collection method: not provided. Allele origin: unknown. Not counted in ClinVar's aggregate classification.

Literature cited by the submitters: PubMed 9618178 (cited by 3 submitters); PubMed 17615541 (cited by 4 submitters); PubMed 30652005 (cited by 3 submitters); PubMed 24634885 (cited by Labcorp Genetics (formerly Invitae), Labcorp and 3billion); PubMed 34645606 (cited by Natera, Inc. and Institute of Human Genetics, Univ. Regensburg, Univ. Regensburg); PubMed 19390641 (cited by Natera, Inc. and Counsyl); PubMed 12928282 (cited by Natera, Inc. and Counsyl); PubMed 21701876 (cited by 3billion and Counsyl); PubMed 17304551 (cited by 3 submitters); PubMed 20061330 (cited by Institute of Human Genetics, Univ. Regensburg, Univ. Regensburg and Counsyl); PubMed 26894784 (cited by Institute of Human Genetics, Univ. Regensburg, Univ. Regensburg); PubMed 31006083 (cited by Institute of Human Genetics, Univ. Regensburg, Univ. Regensburg); PubMed 32783370 (cited by Institute of Human Genetics, Univ. Regensburg, Univ. Regensburg); PubMed 32531858 (cited by Institute of Human Genetics, Univ. Regensburg, Univ. Regensburg); PubMed 34828422 (cited by Institute of Human Genetics, Univ. Regensburg, Univ. Regensburg); PubMed 34798543 (cited by Institute of Human Genetics, Univ. Regensburg, Univ. Regensburg); PubMed 35456481 (cited by Institute of Human Genetics, Univ. Regensburg, Univ. Regensburg); PubMed 34822951 (cited by Institute of Human Genetics, Univ. Regensburg, Univ. Regensburg); PubMed 35309139 (cited by Institute of Human Genetics, Univ. Regensburg, Univ. Regensburg); PubMed 34624300 (cited by Institute of Human Genetics, Univ. Regensburg, Univ. Regensburg); PubMed 36460718 (cited by Institute of Human Genetics, Univ. Regensburg, Univ. Regensburg); PubMed 15937075 (cited by Counsyl); PubMed 17296904 (cited by Counsyl); PubMed 9760195 (cited by Counsyl); PubMed 10533068 (cited by Counsyl); PubMed 17987333 (cited by Counsyl); PubMed 18369700 (cited by Counsyl); PubMed 10589241 (cited by Counsyl); PubMed 15932525 (cited by Counsyl); PubMed 22332228 (cited by Counsyl).